The following is an entry in ClinVar:

ClinVar aggregate classification (germline): Uncertain significance (1 of 4 stars; one submission).

Allele frequency attached by ClinVar (database versions not stated): TOPMed below 0.00001; ExAC 0.00001; gnomAD exomes 0.00001.
gnomAD v4.1: 14 of 1,613,138 alleles (0.00087%); highest among the groups gnomAD compares: Non-Finnish European, 0.0012%; no homozygotes.

Submission:

GeneDx
Classification: Uncertain significance. Last evaluated: 2019-06-18. Review status: criteria provided, single submitter. Criteria: GeneDx Variant Classification Process June 2021. Collection method: clinical testing. Allele origin: germline. Affected: yes.
Comment: Has not been previously published as pathogenic or benign to our knowledge; In silico analysis, which includes protein predictors and evolutionary conservation, supports a deleterious effect

NM_000168.6(GLI3):c.1945C>T (p.Arg649Trp)

Gene: GLI3 (GLI family zinc finger 3; minus strand). Cytogenetic location: 7p14.1.
Variant type: single nucleotide variant.
Coding change: c.1945C>T on transcript NM_000168.6 (MANE Select); coding-DNA position 1945, C replaced by T.
Protein change: p.Arg649Trp; replaces arginine 649 with tryptophan.
Molecular consequence: missense variant.
Genome position (GRCh38, 1-based): chr7:41,972,495, G>A on the plus strand (C>T on the coding strand, the complement: GLI3 is on the minus strand). VCF-style: chr7-41972495-G-A. GRCh37 (hg19) VCF-style: chr7-42012094-G-A.
Other names: short protein forms R649W.
Identifiers: ClinVar variation 1304606 (VCV001304606.2), dbSNP rs757597719, ClinGen allele CA4230728.
Genomic context (GRCh38, chr7:41,972,495, plus strand): 5'-TCGGTCGGCCAGGCGACCTGGACTGTGAATGGCTGCCGGAATCTCTCGGGGGTGGCGGCC[G>A]AGGATGGATGTCCCCTCGCTGCTTCTTGGTGACATGAGCCTCTGGGCCATGCACTGTCTT-3'
Protein context (NP_000159.3, residues 639-659): TKKQRGDIHP[Arg649Trp]PPPPRDSGSH